The following is an entry in ClinVar:

NM_019892.6(INPP5E):c.1669C>T (p.Arg557Cys)

Gene: INPP5E (inositol polyphosphate-5-phosphatase E; minus strand). Cytogenetic location: 9q34.3.
Variant type: single nucleotide variant.
Coding change: c.1669C>T on transcript NM_019892.6 (MANE Select); coding-DNA position 1669, C replaced by T.
Protein change: p.Arg557Cys; replaces arginine 557 with cysteine.
Molecular consequence: missense variant.
Genome position (GRCh38, 1-based): chr9:136,430,410, G>A on the plus strand (C>T on the coding strand, the complement: INPP5E is on the minus strand). VCF-style: chr9-136430410-G-A. GRCh37 (hg19) VCF-style: chr9-139324862-G-A.
Other names: c.1666C>T, p.Arg556Cys (NM_001318502.2); short protein forms R557C, R556C.
Identifiers: ClinVar variation 426905 (VCV000426905.14), dbSNP rs1024279229, ClinGen allele CA201638375.

ClinVar aggregate classification (germline): Conflicting classifications of pathogenicity. Review status: criteria provided, conflicting classifications (1 of 4 stars). 4 submissions from 4 submitters: Likely pathogenic (1); Uncertain significance (3). Last evaluated 2022-11-01.

Conditions:
MORM syndrome (MORMS). Identifiers: Orphanet 75858, MedGen C1857802, MONDO:0012423, OMIM 610156.
Joubert syndrome 1 (JBTS1). Also called: CEREBELLOPARENCHYMAL DISORDER IV; Cerebellooculorenal syndrome 1. Identifiers: MedGen C4551568, MONDO:0008944, OMIM 213300.
Joubert syndrome. Also called: JOUBERT-BOLTSHAUSER SYNDROME; Familial aplasia of the vermis. Identifiers: Orphanet 475, MedGen C5979921, MONDO:0018772.

Allele frequency attached by ClinVar (database versions not stated): gnomAD 0.00001 and 0.00002; gnomAD exomes 0.00002; TOPMed 0.00001.
gnomAD v4.1: 10 of 1,555,142 alleles (0.00064%); highest among the groups gnomAD compares: African/African-American, 0.0068%; no homozygotes.

Submissions (4):

Department of Pathology and Laboratory Medicine, Sinai Health System
Classification: Uncertain significance for Joubert syndrome 1; MORM syndrome. Last evaluated: 2022-11-01. Review status: criteria provided, single submitter. Criteria: ACMG Guidelines, 2015. Collection method: research. Allele origin: germline.

Women's Health and Genetics/Laboratory Corporation of America, LabCorp
Classification: Uncertain significance. Last evaluated: 2021-11-30. Review status: criteria provided, single submitter. Criteria: LabCorp Variant Classification Summary - May 2015. Collection method: clinical testing. Allele origin: germline.
Comment: Variant summary: INPP5E c.1669C>T (p.Arg557Cys) results in a non-conservative amino acid change located in the Inositol polyphosphate-related phosphatase domain (IPR000300) of the encoded protein sequence. Five of five in-silico tools predict a damaging effect of the variant on protein function. The variant allele was found at a frequency of 1.9e-05 in 160718 control chromosomes (gnomAD). The available data on variant occurrences in the general population are insufficient to allow any conclusion about variant significance. c.1669C>T has been reported in the literature in one individual affected with retinitis pigmentosa (Xu_2015). These data do not allow any conclusion about variant significance. To our knowledge, no experimental evidence demonstrating an impact on protein function has been reported. One ClinVar submitter (evaluation after 2014) cites the variant as likely pathogenic. Based on the evidence outlined above, the variant was classified as uncertain significance.

Labcorp Genetics (formerly Invitae), Labcorp
Classification: Uncertain significance for Joubert syndrome. Last evaluated: 2021-07-02. Review status: criteria provided, single submitter. Criteria: Invitae Variant Classification Sherloc (09022015). Collection method: clinical testing. Allele origin: germline.
Comment: In summary, the available evidence is currently insufficient to determine the role of this variant in disease. Therefore, it has been classified as a Variant of Uncertain Significance. This sequence change replaces arginine with cysteine at codon 557 of the INPP5E protein (p.Arg557Cys). The arginine residue is highly conserved and there is a large physicochemical difference between arginine and cysteine. This variant is not present in population databases (ExAC no frequency). This variant has been observed in individual(s) with retinitis pigmentosa (PMID: 25999675). ClinVar contains an entry for this variant (Variation ID: 426905). Advanced modeling of protein sequence and biophysical properties (such as structural, functional, and spatial information, amino acid conservation, physicochemical variation, residue mobility, and thermodynamic stability) performed at Invitae indicates that this missense variant is expected to disrupt INPP5E protein function.

GeneDx
Classification: Likely pathogenic. Last evaluated: 2019-05-02. Review status: criteria provided, single submitter. Criteria: GeneDx Variant Classification Process June 2021. Collection method: clinical testing. Allele origin: germline. Affected: yes.
Comment: In silico analysis, which includes protein predictors and evolutionary conservation, supports a deleterious effect; Not observed at a significant frequency in large population cohorts (Lek et al., 2016); This variant is associated with the following publications: (PMID: 25999675)

Literature cited by the submitters: PubMed 25999675 (cited by Women's Health and Genetics/Laboratory Corporation of America, LabCorp and Labcorp Genetics (formerly Invitae), Labcorp); PubMed 31589614 (cited by Women's Health and Genetics/Laboratory Corporation of America, LabCorp); PubMed 29052317 (cited by Women's Health and Genetics/Laboratory Corporation of America, LabCorp).